The following is an entry in ClinVar:

NM_178526.5(SLC25A42):c.655A>G (p.Ser219Gly)

Genes: SLC25A42 (solute carrier family 25 member 42; plus strand), LOC130064046 (ATAC-STARR-seq lymphoblastoid silent region 10431; plus strand). Cytogenetic location: 19p13.11.
Variant type: single nucleotide variant.
Coding change: c.655A>G on transcript NM_178526.5 (MANE Select); coding-DNA position 655, A replaced by G.
Protein change: p.Ser219Gly; replaces serine 219 with glycine.
Molecular consequence: missense variant.
Genome position (GRCh38, 1-based): chr19:19,110,574, A>G. VCF-style: chr19-19110574-A-G. GRCh37 (hg19) VCF-style: chr19-19221383-A-G.
Other names: c.655A>G, p.Ser219Gly (NM_001321544.2); short protein forms S219G.
Identifiers: ClinVar variation 2065207 (VCV002065207.5), dbSNP rs1055727120, ClinGen allele CA306290683.

ClinVar aggregate classification (germline): Uncertain significance. Review status: criteria provided, multiple submitters, no conflicts (2 of 4 stars). 2 submissions from 2 submitters: Uncertain significance (2). Last evaluated 2024-12-02.

Conditions:
Inborn genetic diseases. Identifiers: MedGen C0950123, MeSH D030342.

Allele frequency attached by ClinVar (database versions not stated): gnomAD 0.00011; TOPMed 0.00015; gnomAD exomes 0.00022.
gnomAD v4.1: 304 of 1,432,536 alleles (0.021%); highest among the groups gnomAD compares: Non-Finnish European, 0.025%; 1 homozygote.

Submissions (2):

Labcorp Genetics (formerly Invitae), Labcorp
Classification: Uncertain significance. Last evaluated: 2024-12-02. Review status: criteria provided, single submitter. Criteria: Invitae Variant Classification Sherloc (09022015). Collection method: clinical testing. Allele origin: germline.
Comment: This sequence change replaces serine, which is neutral and polar, with glycine, which is neutral and non-polar, at codon 219 of the SLC25A42 protein (p.Ser219Gly). The frequency data for this variant in the population databases is considered unreliable, as metrics indicate poor data quality at this position in the gnomAD database. This variant has not been reported in the literature in individuals affected with SLC25A42-related conditions. ClinVar contains an entry for this variant (Variation ID: 2065207). Invitae Evidence Modeling of protein sequence and biophysical properties (such as structural, functional, and spatial information, amino acid conservation, physicochemical variation, residue mobility, and thermodynamic stability) indicates that this missense variant is not expected to disrupt SLC25A42 protein function with a negative predictive value of 80%. In summary, the available evidence is currently insufficient to determine the role of this variant in disease. Therefore, it has been classified as a Variant of Uncertain Significance.

Ambry Genetics
Classification: Uncertain significance for Inborn genetic diseases. Last evaluated: 2024-04-05. Review status: criteria provided, single submitter. Criteria: Ambry Variant Classification Scheme 2023. Collection method: clinical testing. Allele origin: germline.